The following is an entry in ClinVar:

NM_001195553.2(DCX):c.800A>G (p.Asp267Gly)

Gene: DCX (doublecortin; minus strand). Cytogenetic location: Xq23.
Variant type: single nucleotide variant.
Coding change: c.800A>G on transcript NM_001195553.2 (MANE Select); coding-DNA position 800, A replaced by G.
Protein change: p.Asp267Gly; replaces aspartic acid 267 with glycine.
Molecular consequence: missense variant.
Genome position (GRCh38, 1-based): chrX:111,333,059, T>C on the plus strand (A>G on the coding strand, the complement: DCX is on the minus strand). VCF-style: chrX-111333059-T-C. GRCh37 (hg19) VCF-style: chrX-110576287-T-C.
Other names: c.1043A>G, p.Asp348Gly (NM_000555.3); c.800A>G, p.Asp267Gly (NM_001369370.1, NM_001369371.1, NM_001369372.1 and 6 more transcripts); short protein forms D267G, D348G.
Identifiers: ClinVar variation 1800519 (VCV001800519.1), dbSNP rs2524695937, ClinGen allele CA414241616.
Genomic context (GRCh38, chrX:111,333,059, plus strand): 5'-GGATAGAAGGGGAGAGAACAATGGAGCAATAAAACCCAGTGGTTATGCTTACCATTTTCA[T>C]CCAGAGAAAAATCATCCTGAGCATAGCGAAATTTTTCAGGACCACAGGCAATAAACACAT-3'
Protein context (NP_001182482.1, residues 257-277): FRYAQDDFSL[Asp267Gly]ENECRVMKGN

ClinVar aggregate classification (germline): Uncertain significance (1 of 4 stars; one submission).

Submission:

GeneDx
Classification: Uncertain significance. Last evaluated: 2022-05-15. Review status: criteria provided, single submitter. Criteria: GeneDx Variant Classification Process June 2021. Collection method: clinical testing. Allele origin: germline. Affected: yes.
Comment: Not observed at significant frequency in large population cohorts (gnomAD); In silico analysis supports that this missense variant has a deleterious effect on protein structure/function; Has not been previously published as pathogenic or benign to our knowledge